The following is an entry in ClinVar:

ClinVar aggregate classification (germline): Uncertain significance (1 of 4 stars; one submission).

Conditions:
Cardiovascular phenotype. Identifiers: MedGen CN230736.

Allele frequency attached by ClinVar (database versions not stated): TOPMed below 0.00001.

Submission:

Ambry Genetics
Classification: Uncertain significance for Cardiovascular phenotype. Last evaluated: 2021-06-03. Review status: criteria provided, single submitter. Criteria: Ambry Variant Classification Scheme 2023. Collection method: clinical testing. Allele origin: germline.
Comment: The p.A35G variant (also known as c.104C>G), located in coding exon 2 of the GPD1L gene, results from a C to G substitution at nucleotide position 104. The alanine at codon 35 is replaced by glycine, an amino acid with similar properties. This amino acid position is not well conserved in available vertebrate species. In addition, this alteration is predicted to be tolerated by in silico analysis. Since supporting evidence is limited at this time, the clinical significance of this alteration remains unclear.

NM_015141.4(GPD1L):c.104C>G (p.Ala35Gly)

Gene: GPD1L (glycerol-3-phosphate dehydrogenase 1 like; plus strand). Cytogenetic location: 3p22.3.
Variant type: single nucleotide variant.
Coding change: c.104C>G on transcript NM_015141.4 (MANE Select); coding-DNA position 104, C replaced by G.
Protein change: p.Ala35Gly; replaces alanine 35 with glycine.
Molecular consequence: missense variant.
Genome position (GRCh38, 1-based): chr3:32,128,132, C>G. VCF-style: chr3-32128132-C-G. GRCh37 (hg19) VCF-style: chr3-32169624-C-G.
Other names: short protein forms A35G.
Identifiers: ClinVar variation 1776571 (VCV001776571.2), dbSNP rs1700538578, ClinGen allele CA351972620.